The following is an entry in ClinVar:

ClinVar aggregate classification (germline): Uncertain significance. Review status: criteria provided, multiple submitters, no conflicts (2 of 4 stars). 3 submissions from 3 submitters: Uncertain significance (3). Last evaluated 2024-05-08.

Conditions:
Inborn genetic diseases. Identifiers: MedGen C0950123, MeSH D030342.

Allele frequency attached by ClinVar (database versions not stated): gnomAD 0.00001; TOPMed 0.00003; 1000 Genomes Project 30x 0.00016.
gnomAD v4.1: 39 of 1,551,638 alleles (0.0025%); highest among the groups gnomAD compares: Middle Eastern, 0.033%; no homozygotes.

Submissions (3):

Ambry Genetics
Classification: Uncertain significance for Inborn genetic diseases. Last evaluated: 2024-05-08. Review status: criteria provided, single submitter. Criteria: Ambry Variant Classification Scheme 2023. Collection method: clinical testing. Allele origin: germline.

Labcorp Genetics (formerly Invitae), Labcorp
Classification: Uncertain significance. Last evaluated: 2022-06-13. Review status: criteria provided, single submitter. Criteria: Invitae Variant Classification Sherloc (09022015). Collection method: clinical testing. Allele origin: germline.
Comment: In summary, the available evidence is currently insufficient to determine the role of this variant in disease. Therefore, it has been classified as a Variant of Uncertain Significance. Algorithms developed to predict the effect of missense changes on protein structure and function are either unavailable or do not agree on the potential impact of this missense change (SIFT: "Deleterious"; PolyPhen-2: "Probably Damaging"; Align-GVGD: "Class C0"). ClinVar contains an entry for this variant (Variation ID: 522325). This variant has not been reported in the literature in individuals affected with LRIT3-related conditions. This variant is present in population databases (no rsID available, gnomAD 0.007%). This sequence change replaces valine, which is neutral and non-polar, with methionine, which is neutral and non-polar, at codon 93 of the LRIT3 protein (p.Val93Met).

Blueprint Genetics
Classification: Uncertain significance. Last evaluated: 2021-09-16. Review status: criteria provided, single submitter. Criteria: ACMG Guidelines, 2015. Collection method: clinical testing. Allele origin: germline.

NM_198506.5(LRIT3):c.277G>A (p.Val93Met)

Gene: LRIT3 (leucine rich repeat, Ig-like and transmembrane domains 3; plus strand). Cytogenetic location: 4q25.
Variant type: single nucleotide variant.
Coding change: c.277G>A on transcript NM_198506.5 (MANE Select); coding-DNA position 277, G replaced by A.
Protein change: p.Val93Met; replaces valine 93 with methionine.
Molecular consequence: missense variant.
Genome position (GRCh38, 1-based): chr4:109,851,664, G>A. VCF-style: chr4-109851664-G-A. GRCh37 (hg19) VCF-style: chr4-110772820-G-A.
Other names: c.142G>A (NM_198506.2); short protein forms V93M.
Identifiers: ClinVar variation 522325 (VCV000522325.10), dbSNP rs1479270315, ClinGen allele CA357871413.
Genomic context (GRCh38, chr4:109,851,664, plus strand): 5'-TCTGCGGAGGCCTTCTATTACCTGGTGGAGCTCCAGTATCTCTGGGTGACTTACAATTCC[G>A]TGGCCAGCATTGACCCCAGCAGCTTTTACAACCTGAAGCAACTGCATGAGTTGCGCTTGG-3'
Protein context (NP_940908.3, residues 83-103): LQYLWVTYNS[Val93Met]ASIDPSSFYN